The following is an entry in ClinVar:

ClinVar aggregate classification (germline): Likely benign. Review status: criteria provided, multiple submitters, no conflicts (2 of 4 stars). 2 submissions from 2 submitters: Likely benign (2). Last evaluated 2024-10-23.

Allele frequency attached by ClinVar (database versions not stated): gnomAD 0.00001; gnomAD exomes 0.00001; TOPMed 0.00001; ExAC 0.00002.
gnomAD v4.1: 12 of 1,611,800 alleles (0.00074%); highest among the groups gnomAD compares: Non-Finnish European, 0.001%; no homozygotes.

Submissions (2):

Labcorp Genetics (formerly Invitae), Labcorp
Classification: Likely benign. Last evaluated: 2024-10-23. Review status: criteria provided, single submitter. Criteria: Invitae Variant Classification Sherloc (09022015). Collection method: clinical testing. Allele origin: germline.

CeGaT Center for Human Genetics Tuebingen
Classification: Likely benign. Last evaluated: 2023-08-01. Review status: criteria provided, single submitter. Criteria: CeGaT Center For Human Genetics Tuebingen Variant Classification Criteria Version 2. Collection method: clinical testing. Allele origin: germline. Affected: yes. Observed: 1 variant allele.
Comment: GABRA2: BP4, BP7

NM_000807.4(GABRA2):c.1242T>C (p.Val414=)

Gene: GABRA2 (gamma-aminobutyric acid type A receptor subunit alpha2; minus strand). Cytogenetic location: 4p12.
Variant type: single nucleotide variant.
Coding change: c.1242T>C on transcript NM_000807.4 (MANE Select); coding-DNA position 1242, T replaced by C.
Protein change: p.Val414=; no amino-acid change (valine 414 retained).
Molecular consequence: synonymous variant.
Genome position (GRCh38, 1-based): chr4:46,250,422, A>G on the plus strand (T>C on the coding strand, the complement: GABRA2 is on the minus strand). VCF-style: chr4-46250422-A-G. GRCh37 (hg19) VCF-style: chr4-46252439-A-G.
Other names: c.1242T>C, p.Val414= (NM_001114175.3, NM_001377146.1, NM_001377147.1 and 4 more transcripts); c.1257T>C, p.Val419= (NM_001286827.3); c.1422T>C, p.Val474= (NM_001330690.2, NM_001377144.1, NM_001377145.1); c.1077T>C, p.Val359= (NM_001377152.1, NM_001377153.1, NM_001377154.1).
Identifiers: ClinVar variation 2189131 (VCV002189131.29), dbSNP rs200183143, ClinGen allele CA2906540.